The following is an entry in ClinVar:

ClinVar aggregate classification (germline): Uncertain significance (0 of 4 stars; one submission).

Conditions:
PCNT-related disorder. Also called: PCNT-related condition.

Submission:

PreventionGenetics, part of Exact Sciences
Classification: Uncertain significance for PCNT-related condition. Last evaluated: 2024-04-11. Review status: no assertion criteria provided. Collection method: clinical testing. Allele origin: germline.
Comment: The PCNT c.139_147delinsCAGGAGGAGA variant is predicted to result in a frameshift and premature protein termination (p.Asp47Glnfs*30). To our knowledge, this variant has not been reported in the literature or in a large population database, indicating this variant is rare. Frameshift variants in PCNT are expected to be pathogenic; however, no examples have been reported in the literature upstream of this variant. Although we suspect that this variant may be pathogenic, at this time, the clinical significance of this variant is uncertain due to the absence of conclusive functional and genetic evidence.

NM_006031.6(PCNT):c.139_147delinsCAGGAGGAGA (p.Asp47fs)

Genes: PCNT (pericentrin; plus strand), LOC128092249 (uncharacterized LOC128092249; plus strand). Cytogenetic location: 21q22.3.
Variant type: Indel.
Coding change: c.139_147delinsCAGGAGGAGA on transcript NM_006031.6 (MANE Select); coding-DNA positions 139 to 147, GATGCGTCT replaced by CAGGAGGAGA.
Protein change: p.Asp47fs; shifts the reading frame from aspartic acid 47.
Molecular consequence: frameshift variant. On other transcripts: 5 prime UTR variant (1).
Genome position (GRCh38, 1-based): chr21:46,326,461-46,326,469, GATGCGTCT replaced by CAGGAGGAGA. VCF-style: chr21-46326461-GATGCGTCT-CAGGAGGAGA. GRCh37 (hg19) VCF-style: chr21-47746375-GATGCGTCT-CAGGAGGAGA.
Other names: c.174_182delinsCAGGAGGAGA, p.Met59fs (NM_001414902.1); c.-216_-208delinsCAGGAGGAGA (NM_001315529.2); short protein forms D47fs, M59fs.
Identifiers: ClinVar variation 3348148 (VCV003348148.1).